The following is an entry in ClinVar:

NM_014476.6(PDLIM3):c.663-16C>T

Gene: PDLIM3 (PDZ and LIM domain 3; minus strand). Cytogenetic location: 4q35.1.
Variant type: single nucleotide variant.
Coding change: c.663-16C>T on transcript NM_014476.6 (MANE Select); 16 bases into the intron before coding-DNA position 663, C replaced by T.
Molecular consequence: intron variant.
Genome position (GRCh38, 1-based): chr4:185,506,668, G>A on the plus strand (C>T on the coding strand, the complement: PDLIM3 is on the minus strand). VCF-style: chr4-185506668-G-A. GRCh37 (hg19) VCF-style: chr4-186427822-G-A.
Other names: c.162-16C>T (NM_001257963.2); c.399-16C>T (NM_001257962.2); c.519-16C>T (NM_001114107.5).
Identifiers: ClinVar variation 138670 (VCV000138670.10), dbSNP rs527271064, ClinGen allele CA333136.

ClinVar aggregate classification (germline): Benign. Review status: criteria provided, multiple submitters, no conflicts (2 of 4 stars). 3 submissions from 3 submitters: Benign (3). Last evaluated 2026-02-01.

Conditions:
Hypertrophic cardiomyopathy. Also called: HYPERTROPHIC MYOCARDIOPATHY. Identifiers: Orphanet 217569, MedGen C0007194, MeSH D002312, MONDO:0005045, HP:0001639.
Primary dilated cardiomyopathy (DCM). Also called: Dilated Cardiomyopathy. Identifiers: Orphanet 217604, MedGen C0007193, MeSH D002311, MONDO:0005021, HP:0001644. Inheritance: Various modes of inheritance.

Allele frequency attached by ClinVar (database versions not stated): gnomAD exomes 0.00132; ExAC 0.00143; gnomAD 0.00002 and 0.00040; TOPMed 0.00007; 1000 Genomes Project 30x 0.00344; 1000 Genomes Project 0.00439.
gnomAD v4.1: 970 of 1,601,530 alleles (0.061%); highest among the groups gnomAD compares: South Asian, 1%; 17 homozygotes.

Submissions (3):

Labcorp Genetics (formerly Invitae), Labcorp
Classification: Benign for Hypertrophic cardiomyopathy; Primary dilated cardiomyopathy. Last evaluated: 2026-02-01. Review status: criteria provided, single submitter. Criteria: Invitae Variant Classification Sherloc (09022015). Collection method: clinical testing. Allele origin: germline.

Women's Health and Genetics/Laboratory Corporation of America, LabCorp
Classification: Benign. Last evaluated: 2023-08-19. Review status: criteria provided, single submitter. Criteria: LabCorp Variant Classification Summary - May 2015. Collection method: clinical testing. Allele origin: germline.

GeneDx
Classification: Benign. Last evaluated: 2014-03-26. Review status: criteria provided, single submitter. Criteria: GeneDx Variant Classification (06012015). Collection method: clinical testing. Allele origin: germline. Affected: yes.
Comment: This variant is considered likely benign or benign based on one or more of the following criteria: it is a conservative change, it occurs at a poorly conserved position in the protein, it is predicted to be benign by multiple in silico algorithms, and/or has population frequency not consistent with disease.